The following is an entry in ClinVar:

ClinVar aggregate classification (germline): Uncertain significance (1 of 4 stars; one submission).

gnomAD v4.1: 5 of 1,613,800 alleles (0.00031%); highest among the groups gnomAD compares: Non-Finnish European, 0.00042%; no homozygotes.

Submission:

Labcorp Genetics (formerly Invitae), Labcorp
Classification: Uncertain significance. Last evaluated: 2022-01-16. Review status: criteria provided, single submitter. Criteria: Invitae Variant Classification Sherloc (09022015). Collection method: clinical testing. Allele origin: germline.
Comment: In summary, the available evidence is currently insufficient to determine the role of this variant in disease. Therefore, it has been classified as a Variant of Uncertain Significance. Experimental studies and prediction algorithms are not available or were not evaluated, and the functional significance of this variant is currently unknown. This variant has not been reported in the literature in individuals affected with ARMC9-related conditions. This variant is not present in population databases (gnomAD no frequency). This sequence change replaces leucine, which is neutral and non-polar, with methionine, which is neutral and non-polar, at codon 5 of the ARMC9 protein (p.Leu5Met).

NM_001352754.2(ARMC9):c.13C>A (p.Leu5Met)

Gene: ARMC9 (armadillo repeat containing 9; plus strand). Cytogenetic location: 2q37.1.
Variant type: single nucleotide variant.
Coding change: c.13C>A on transcript NM_001352754.2 (MANE Select); coding-DNA position 13, C replaced by A.
Protein change: p.Leu5Met; replaces leucine 5 with methionine.
Molecular consequence: missense variant. On other transcripts: non-coding transcript variant (1).
Genome position (GRCh38, 1-based): chr2:231,206,251, C>A. VCF-style: chr2-231206251-C-A. GRCh37 (hg19) VCF-style: chr2-232070964-C-A.
Other names: c.13C>A, p.Leu5Met (NM_001271466.4, NM_001291656.2, NM_001352755.2 and 5 more transcripts); short protein forms L5M.
Identifiers: ClinVar variation 1962484 (VCV001962484.5), dbSNP rs376958829, ClinGen allele CA350943766.